The following is an entry in ClinVar:

ClinVar aggregate classification (germline): Uncertain significance (1 of 4 stars; one submission).

Conditions:
Primary familial hypertrophic cardiomyopathy (HCM). Identifiers: Orphanet 99739, MedGen C0949658, MeSH D024741, MONDO:0024573. Inheritance: Various modes of inheritance.
Dilated cardiomyopathy 1AA (CMD1AA). Also called: CARDIOMYOPATHY, DILATED, 1AA, WITH OR WITHOUT LEFT VENTRICULAR NONCOMPACTION; CARDIOMYOPATHY, FAMILIAL HYPERTROPHIC, 23, WITH OR WITHOUT LEFT VENTRICULAR NONCOMPACTION; Cardiomyopathy, dilated, 1AA, with or without LVNC. Identifiers: Orphanet 154, MedGen C2677338, MONDO:0012808, OMIM 612158.

gnomAD v4.1: 2 of 1,614,066 alleles (0.00012%); highest among the groups gnomAD compares: Non-Finnish European, 0.00017%; no homozygotes.

Submission:

Labcorp Genetics (formerly Invitae), Labcorp
Classification: Uncertain significance for Primary familial hypertrophic cardiomyopathy; Dilated cardiomyopathy 1AA. Last evaluated: 2025-12-09. Review status: criteria provided, single submitter. Criteria: Invitae Variant Classification Sherloc (09022015). Collection method: clinical testing. Allele origin: germline.
Comment: This sequence change replaces glutamine, which is neutral and polar, with proline, which is neutral and non-polar, at codon 654 of the ACTN2 protein (p.Gln654Pro). This variant is not present in population databases (gnomAD no frequency). This variant has not been reported in the literature in individuals affected with ACTN2-related conditions. Invitae Evidence Modeling of protein sequence and biophysical properties (such as structural, functional, and spatial information, amino acid conservation, physicochemical variation, residue mobility, and thermodynamic stability) indicates that this missense variant is expected to disrupt ACTN2 protein function with a positive predictive value of 80%. In summary, the available evidence is currently insufficient to determine the role of this variant in disease. Therefore, it has been classified as a Variant of Uncertain Significance.

NM_001103.4(ACTN2):c.1961A>C (p.Gln654Pro)

Gene: ACTN2 (actinin alpha 2; plus strand). Cytogenetic location: 1q43.
Variant type: single nucleotide variant.
Coding change: c.1961A>C on transcript NM_001103.4 (MANE Select); coding-DNA position 1961, A replaced by C.
Protein change: p.Gln654Pro; replaces glutamine 654 with proline.
Molecular consequence: missense variant. On other transcripts: non-coding transcript variant (1).
Genome position (GRCh38, 1-based): chr1:236,754,068, A>C. VCF-style: chr1-236754068-A-C. GRCh37 (hg19) VCF-style: chr1-236917368-A-C.
Other names: c.1961A>C, p.Gln654Pro (NM_001278343.2); short protein forms Q654P.
Identifiers: ClinVar variation 4783286 (VCV004783286.1).